The following is an entry in ClinVar:

ClinVar aggregate classification (germline): Uncertain significance (1 of 4 stars; one submission).

Conditions:
Nephronophthisis 15 (NPHP15). Identifiers: Orphanet 3156, MedGen C3541853, MONDO:0013917, OMIM 614845.

Allele frequency attached by ClinVar (database versions not stated): gnomAD exomes below 0.00001; ExAC 0.00001; gnomAD 0.00001.
gnomAD v4.1: 6 of 1,613,978 alleles (0.00037%); highest among the groups gnomAD compares: East Asian, 0.0067%; no homozygotes.

Submission:

Labcorp Genetics (formerly Invitae), Labcorp
Classification: Uncertain significance for Nephronophthisis 15. Last evaluated: 2025-11-27. Review status: criteria provided, single submitter. Criteria: Invitae Variant Classification Sherloc (09022015). Collection method: clinical testing. Allele origin: germline.
Comment: This sequence change replaces arginine, which is basic and polar, with histidine, which is basic and polar, at codon 416 of the CEP164 protein (p.Arg416His). This variant is present in population databases (rs751931460, gnomAD 0.004%). This variant has not been reported in the literature in individuals affected with CEP164-related conditions. ClinVar contains an entry for this variant (Variation ID: 2144837). An algorithm developed to predict the effect of missense changes on protein structure and function outputs the following: PolyPhen-2: "Benign". The histidine amino acid residue is found in multiple mammalian species, which suggests that this missense change does not adversely affect protein function. In summary, the available evidence is currently insufficient to determine the role of this variant in disease. Therefore, it has been classified as a Variant of Uncertain Significance.

NM_014956.5(CEP164):c.1247G>A (p.Arg416His)

Gene: CEP164 (centrosomal protein 164; plus strand). Cytogenetic location: 11q23.3.
Variant type: single nucleotide variant.
Coding change: c.1247G>A on transcript NM_014956.5 (MANE Select); coding-DNA position 1247, G replaced by A.
Protein change: p.Arg416His; replaces arginine 416 with histidine.
Molecular consequence: missense variant.
Genome position (GRCh38, 1-based): chr11:117,375,721, G>A. VCF-style: chr11-117375721-G-A. GRCh37 (hg19) VCF-style: chr11-117246437-G-A.
Other names: c.1247G>A, p.Arg416His (NM_001271933.2); short protein forms R416H.
Identifiers: ClinVar variation 2144837 (VCV002144837.4), dbSNP rs751931460, ClinGen allele CA6294694.